The following is an entry in ClinVar:

ClinVar aggregate classification (germline): Uncertain significance (0 of 4 stars; one submission).

Conditions:
GPRASP2-related disorder. Also called: GPRASP2-related condition.

Submission:

PreventionGenetics, part of Exact Sciences
Classification: Uncertain significance for GPRASP2-related condition. Last evaluated: 2024-04-29. Review status: no assertion criteria provided. Collection method: clinical testing. Allele origin: germline.
Comment: The GPRASP2 c.264_299del36 variant is predicted to result in an in-frame deletion (p.Glu89_Thr100del). To our knowledge, this variant has not been reported in the literature. This variant is reported in 0.0071% of alleles in individuals of Latino descent in gnomAD. At this time, the clinical significance of this variant is uncertain due to the absence of conclusive functional and genetic evidence.

NM_001004051.4(GPRASP2):c.264_299del (p.Glu89_Thr100del)

Genes: ARMCX5-GPRASP2 (ARMCX5-GPRASP2 readthrough; plus strand), GPRASP2 (G protein-coupled receptor associated sorting protein 2; plus strand). Cytogenetic location: Xq22.1.
Variant type: Deletion.
Coding change: c.264_299del on transcript NM_001004051.4 (MANE Select); coding-DNA positions 264 to 299, 36 bases deleted.
Protein change: p.Glu89_Thr100del.
Molecular consequence: inframe deletion. On other transcripts: intron variant (3).
Genome position (GRCh38, 1-based): chrX:102,715,133-102,715,168, 36 bases deleted; deleting any 36 consecutive bases within chrX:102,715,125-102,715,168 gives the same sequence; the c. name uses the placement nearest the transcript's 3' end. GRCh37 (hg19): chrX:101,970,061-101,970,096.
Other names: c.264_299del, p.Glu89_Thr100del (NM_001199818.1, NM_001184874.3, NM_001184875.3 and 2 more transcripts); c.-820+867_-820+902del (NM_001350268.2); c.-752+867_-752+902del (NM_001350269.2); c.-721+867_-721+902del (NM_001350270.1).
Identifiers: ClinVar variation 3350499 (VCV003350499.1).
Genomic context (GRCh38, chrX:102,715,124, plus strand): 5'-GGCCCAAGCAATGTCTGGGGCAAGGCCCAAAACTGAGGTCCAAGTAATGGGTGGTGCAAG[ACCCAAAACGGAGGCTCAAGGAATCACAGGGGCCAGG>A]CCCAAAACCGATGCCAGGGCAGTAGGTGGCGCTCGTTCTAAAACTGATGCCAAGGCAATC-3'